The following is an entry in ClinVar:

ClinVar aggregate classification (germline): Uncertain significance (1 of 4 stars; one submission).

Allele frequency attached by ClinVar (database versions not stated): gnomAD exomes below 0.00001.
gnomAD v4.1: 1 of 1,613,704 alleles (0.000062%); highest among the groups gnomAD compares: Non-Finnish European, 0.000085%; no homozygotes.

Submission:

Labcorp Genetics (formerly Invitae), Labcorp
Classification: Uncertain significance. Last evaluated: 2019-04-07. Review status: criteria provided, single submitter. Criteria: Invitae Variant Classification Sherloc (09022015). Collection method: clinical testing. Allele origin: germline.
Comment: Nucleotide substitutions within the consensus splice site are a relatively common cause of aberrant splicing (PMID: 17576681, 9536098). Algorithms developed to predict the effect of sequence changes on RNA splicing suggest that this variant may disrupt the consensus splice site, but this prediction has not been confirmed by published transcriptional studies. Algorithms developed to predict the effect of missense changes on protein structure and function (SIFT, PolyPhen-2, Align-GVGD) all suggest that this variant is likely to be disruptive, but these predictions have not been confirmed by published functional studies and their clinical significance is uncertain. This variant has not been reported in the literature in individuals with POLE-related conditions. This variant is not present in population databases (ExAC no frequency). This sequence change replaces arginine with lysine at codon 1092 of the POLE protein (p.Arg1092Lys). The arginine residue is highly conserved and there is a small physicochemical difference between arginine and lysine. This variant also falls at the last nucleotide of exon 26 of the POLE coding sequence, which is part of the consensus splice site for this exon. In summary, the available evidence is currently insufficient to determine the role of this variant in disease. Therefore, it has been classified as a Variant of Uncertain Significance.

Literature cited by the submitters: PubMed 17576681; PubMed 9536098.

NM_006231.4(POLE):c.3275G>A (p.Arg1092Lys)

Gene: POLE (DNA polymerase epsilon, catalytic subunit; minus strand). Cytogenetic location: 12q24.33.
Variant type: single nucleotide variant.
Coding change: c.3275G>A on transcript NM_006231.4 (MANE Select); coding-DNA position 3275, G replaced by A.
Protein change: p.Arg1092Lys; replaces arginine 1092 with lysine.
Molecular consequence: missense variant.
Genome position (GRCh38, 1-based): chr12:132,659,295, C>T on the plus strand (G>A on the coding strand, the complement: POLE is on the minus strand). VCF-style: chr12-132659295-C-T. GRCh37 (hg19) VCF-style: chr12-133235881-C-T.
Other names: short protein forms R1092K.
Identifiers: ClinVar variation 856071 (VCV000856071.9), dbSNP rs1060500857, ClinGen allele CA387390173.
Genomic context (GRCh38, chr12:132,659,295, plus strand): 5'-GCCCTCACCTGTCCGTGATGGGAGGAGCCCTCACCTCTCCGTGATGGGGGGAGCCCTCAC[C>T]TCTCCGTGACAGGGGAGCCCTCGGGCTTGCGGGAGATGATGTAGCGGCAACTCAGCCCTG-3'
Protein context (NP_006222.2, residues 1082-1102): RKPEGSPVTE[Arg1092Lys]AIPLAIFQAE